The following is an entry in ClinVar:

ClinVar aggregate classification (germline): Uncertain significance (1 of 4 stars; one submission).

Submission:

Labcorp Genetics (formerly Invitae), Labcorp
Classification: Uncertain significance. Last evaluated: 2021-02-12. Review status: criteria provided, single submitter. Criteria: Invitae Variant Classification Sherloc (09022015). Collection method: clinical testing. Allele origin: germline.
Comment: Algorithms developed to predict the effect of missense changes on protein structure and function are either unavailable or do not agree on the potential impact of this missense change (SIFT: "Deleterious"; PolyPhen-2: "Benign"; Align-GVGD: "Class C0"). This variant has not been reported in the literature in individuals with TPI1-related conditions. This variant is not present in population databases (ExAC no frequency). This sequence change replaces glycine with serine at codon 234 of the TPI1 protein (p.Gly234Ser). The glycine residue is highly conserved and there is a small physicochemical difference between glycine and serine. Algorithms developed to predict the effect of sequence changes on RNA splicing suggest that this variant may create or strengthen a splice site, but this prediction has not been confirmed by published transcriptional studies. In summary, the available evidence is currently insufficient to determine the role of this variant in disease. Therefore, it has been classified as a Variant of Uncertain Significance.

NM_000365.6(TPI1):c.700G>A (p.Gly234Ser)

Gene: TPI1 (triosephosphate isomerase 1; plus strand). Cytogenetic location: 12p13.31.
Variant type: single nucleotide variant.
Coding change: c.700G>A on transcript NM_000365.6 (MANE Select); coding-DNA position 700, G replaced by A.
Protein change: p.Gly234Ser; replaces glycine 234 with serine.
Molecular consequence: missense variant.
Genome position (GRCh38, 1-based): chr12:6,870,333, G>A. VCF-style: chr12-6870333-G-A. GRCh37 (hg19) VCF-style: chr12-6979497-G-A.
Other names: c.811G>A, p.Gly271Ser (NM_001159287.1); c.454G>A, p.Gly152Ser (NM_001258026.2); short protein forms G152S, G234S, G271S.
Identifiers: ClinVar variation 1408609 (VCV001408609.8), dbSNP rs2138095440, ClinGen allele CA383713930.